The following is an entry in ClinVar:

ClinVar aggregate classification (germline): Uncertain significance. Review status: criteria provided, multiple submitters, no conflicts (2 of 4 stars). 2 submissions from 2 submitters: Uncertain significance (2). Last evaluated 2024-06-10.

Conditions:
Glucocorticoid-remediable aldosteronism. Also called: ACTH-DEPENDENT HYPERALDOSTERONISM SYNDROME; ALDOSTERONISM, SENSITIVE TO DEXAMETHASONE; FH I; GLUCOCORTICOID-SUPPRESSIBLE HYPERALDOSTERONISM; Hyperaldosteronism, familial, type I. Identifiers: Orphanet 403, MedGen C3838731, MONDO:0007080, OMIM 103900.
Deficiency of steroid 11-beta-monooxygenase (CYP11B1). Also called: ADRENAL HYPERPLASIA, CONGENITAL, DUE TO STEROID 11-BETA-HYDROXYLASE DEFICIENCY; 11-BETA-HYDROXYLASE DEFICIENCY; Congenital adrenal hyperplasia due to 11-beta-hydroxylase deficiency; ADRENAL HYPERPLASIA IV; P450C11B1 DEFICIENCY; STEROID 11-BETA-HYDROXYLASE DEFICIENCY. Identifiers: Orphanet 90795, MedGen C0268292, MONDO:0008729, OMIM 202010. Disease mechanism: loss of function.

Allele frequency attached by ClinVar (database versions not stated): gnomAD 0.00001; TOPMed 0.00002; gnomAD exomes 0.00003.

Submissions (2):

Labcorp Genetics (formerly Invitae), Labcorp
Classification: Uncertain significance. Last evaluated: 2024-06-10. Review status: criteria provided, single submitter. Criteria: Invitae Variant Classification Sherloc (09022015). Collection method: clinical testing. Allele origin: germline.
Comment: This sequence change replaces alanine, which is neutral and non-polar, with threonine, which is neutral and polar, at codon 415 of the CYP11B1 protein (p.Ala415Thr). This variant is present in population databases (no rsID available, gnomAD 0.007%). This variant has not been reported in the literature in individuals affected with CYP11B1-related conditions. ClinVar contains an entry for this variant (Variation ID: 2068837). Advanced modeling of protein sequence and biophysical properties (such as structural, functional, and spatial information, amino acid conservation, physicochemical variation, residue mobility, and thermodynamic stability) performed at Invitae indicates that this missense variant is not expected to disrupt CYP11B1 protein function with a negative predictive value of 95%. In summary, the available evidence is currently insufficient to determine the role of this variant in disease. Therefore, it has been classified as a Variant of Uncertain Significance.

Fulgent Genetics
Classification: Uncertain significance for Glucocorticoid-remediable aldosteronism; Deficiency of steroid 11-beta-monooxygenase. Last evaluated: 2023-12-28. Review status: criteria provided, single submitter. Criteria: ACMG Guidelines, 2015. Collection method: clinical testing. Allele origin: germline.

NM_000497.4(CYP11B1):c.1243G>A (p.Ala415Thr)

Genes: CYP11B1 (cytochrome P450 family 11 subfamily B member 1; minus strand), LOC106799833 (CYP11B1 recombination region; plus strand). Cytogenetic location: 8q24.3.
Variant type: single nucleotide variant.
Coding change: c.1243G>A on transcript NM_000497.4 (MANE Select); coding-DNA position 1243, G replaced by A.
Protein change: p.Ala415Thr; replaces alanine 415 with threonine.
Molecular consequence: missense variant. On other transcripts: intron variant (1).
Genome position (GRCh38, 1-based): chr8:142,875,112, C>T on the plus strand (G>A on the coding strand, the complement: CYP11B1 is on the minus strand). VCF-style: chr8-142875112-C-T. GRCh37 (hg19) VCF-style: chr8-143956528-C-T.
Other names: c.1200+122G>A (NM_001026213.1); short protein forms A415T.
Identifiers: ClinVar variation 2068837 (VCV002068837.4), dbSNP rs1478938813, ClinGen allele CA372391861.